The following is an entry in ClinVar:

ClinVar aggregate classification (germline): Uncertain significance (1 of 4 stars; one submission).

Submission:

Labcorp Genetics (formerly Invitae), Labcorp
Classification: Uncertain significance. Last evaluated: 2025-04-26. Review status: criteria provided, single submitter. Criteria: Invitae Variant Classification Sherloc (09022015). Collection method: clinical testing. Allele origin: germline.
Comment: This sequence change replaces arginine, which is basic and polar, with cysteine, which is neutral and slightly polar, at codon 86 of the PKDCC protein (p.Arg86Cys). The frequency data for this variant in the population databases is considered unreliable, as metrics indicate insufficient coverage at this position in the gnomAD database. This variant has not been reported in the literature in individuals affected with PKDCC-related conditions. An algorithm developed to predict the effect of missense changes on protein structure and function (PolyPhen-2) suggests that this variant is likely to be tolerated. In summary, the available evidence is currently insufficient to determine the role of this variant in disease. Therefore, it has been classified as a Variant of Uncertain Significance.

NM_138370.3(PKDCC):c.256C>T (p.Arg86Cys)

Gene: PKDCC (protein kinase domain containing, cytoplasmic; plus strand). Cytogenetic location: 2p21.
Variant type: single nucleotide variant.
Coding change: c.256C>T on transcript NM_138370.3 (MANE Select); coding-DNA position 256, C replaced by T.
Protein change: p.Arg86Cys; replaces arginine 86 with cysteine.
Molecular consequence: missense variant.
Genome position (GRCh38, 1-based): chr2:42,048,455, C>T. VCF-style: chr2-42048455-C-T. GRCh37 (hg19) VCF-style: chr2-42275595-C-T.
Other names: short protein forms R86C.
Identifiers: ClinVar variation 4690470 (VCV004690470.1).